The following is an entry in ClinVar:

NM_001271.4(CHD2):c.693-1G>A

Gene: CHD2 (chromodomain helicase DNA binding protein 2; plus strand). Cytogenetic location: 15q26.1.
Variant type: single nucleotide variant.
Coding change: c.693-1G>A on transcript NM_001271.4 (MANE Select); the canonical splice acceptor site of the intron before coding-DNA position 693, G replaced by A.
Molecular consequence: splice acceptor variant.
Genome position (GRCh38, 1-based): chr15:92,941,821, G>A. VCF-style: chr15-92941821-G-A. GRCh37 (hg19) VCF-style: chr15-93485051-G-A.
Other names: c.693-1G>A (NM_001042572.3).
Identifiers: ClinVar variation 976278 (VCV000976278.3), dbSNP rs2053387699, ClinGen allele CA393900584.

ClinVar aggregate classification (germline): Likely pathogenic. Review status: criteria provided, multiple submitters, no conflicts (2 of 4 stars). 2 submissions from 2 submitters: Likely pathogenic (2). Last evaluated 2019-09-11.

Conditions:
Developmental and epileptic encephalopathy 94 (DEE94). Also called: CHD2-Related Neurodevelopmental Disorders; Epileptic encephalopathy, childhood-onset. Identifiers: Orphanet 1942, Orphanet 2382, MedGen C3809278, MONDO:0014150, OMIM 615369.
Inborn genetic diseases. Identifiers: MedGen C0950123, MeSH D030342.

Submissions (2):

Institute of Human Genetics, University of Leipzig Medical Center
Classification: Likely pathogenic for Developmental and epileptic encephalopathy 94. Last evaluated: 2019-09-11. Review status: criteria provided, single submitter. Criteria: ACMG Guidelines, 2015. Collection method: clinical testing. Allele origin: germline. Affected: yes. Observed: 1 variant allele.

Ambry Genetics
Classification: Likely pathogenic for Inborn genetic diseases. Last evaluated: 2017-06-05. Review status: criteria provided, single submitter. Criteria: Ambry Variant Classification Scheme 2023. Collection method: clinical testing. Allele origin: germline.
Comment: The c.693-1G>A intronic variant results from a G to A substitution one nucleotide upstream from coding exon 7 of the CHD2 gene. Using the BDGP and ESEfinder splice site prediction tools, this alteration is predicted to abolish the native splice acceptor site; however, direct evidence is unavailable. This nucleotide position is highly conserved in available vertebrate species. Alterations that disrupt the canonical splice site are expected to cause aberrant splicing, resulting in an abnormal protein or a transcript that is subject to nonsense-mediated mRNA decay. As such, this alteration is classified as likely pathogenic.